The following is an entry in ClinVar:

NM_003995.4(NPR2):c.2424T>G (p.Tyr808Ter)

Gene: NPR2 (natriuretic peptide receptor 2; plus strand). Cytogenetic location: 9p13.3.
Variant type: single nucleotide variant.
Coding change: c.2424T>G on transcript NM_003995.4 (MANE Select); coding-DNA position 2424, T replaced by G.
Protein change: p.Tyr808Ter; replaces tyrosine 808 with a stop codon.
Molecular consequence: nonsense.
Genome position (GRCh38, 1-based): chr9:35,806,443, T>G. VCF-style: chr9-35806443-T-G. GRCh37 (hg19) VCF-style: chr9-35806440-T-G.
Other names: c.2433T>G, p.Tyr811Ter (NM_001378923.1); short protein forms Y808*, Y811*.
Identifiers: ClinVar variation 2096788 (VCV002096788.4), dbSNP rs2491063751, ClinGen allele CA373379782.

ClinVar aggregate classification (germline): Pathogenic (1 of 4 stars; one submission).

Conditions:
Acromesomelic dysplasia 1, Maroteaux type (AMD1). Also called: ST. HELENA DYSPLASIA; ACROMESOMELIC DYSPLASIA 1. Identifiers: Orphanet 40, MedGen C1864356, MONDO:0011275, OMIM 602875.
Tall stature-scoliosis-macrodactyly of the great toes syndrome. Also called: Epiphyseal chondrodysplasia, miura type. Identifiers: Orphanet 329191, MedGen C4014690, MONDO:0014401, OMIM 615923.

Submission:

Labcorp Genetics (formerly Invitae), Labcorp
Classification: Pathogenic for Tall stature-scoliosis-macrodactyly of the great toes syndrome; Acromesomelic dysplasia 1, Maroteaux type. Last evaluated: 2025-05-12. Review status: criteria provided, single submitter. Criteria: Invitae Variant Classification Sherloc (09022015). Collection method: clinical testing. Allele origin: germline.
Comment: This sequence change creates a premature translational stop signal (p.Tyr808*) in the NPR2 gene. It is expected to result in an absent or disrupted protein product. Loss-of-function variants in NPR2 are known to be pathogenic (PMID: 15146390, 15572448, 16384845). This variant is not present in population databases (gnomAD no frequency). This variant has not been reported in the literature in individuals affected with NPR2-related conditions. ClinVar contains an entry for this variant (Variation ID: 2096788). For these reasons, this variant has been classified as Pathogenic.

Literature cited by the submitters: PubMed 15146390; PubMed 15572448; PubMed 16384845.